The following is an entry in ClinVar:

ClinVar aggregate classification (germline): Conflicting classifications of pathogenicity. Review status: criteria provided, conflicting classifications (1 of 4 stars). 3 submissions from 3 submitters: Likely pathogenic (2); Uncertain significance (1). Last evaluated 2024-11-04.

Conditions:
Autosomal recessive limb-girdle muscular dystrophy type 2C (LGMDR5). Also called: MUSCULAR DYSTROPHY, LIMB-GIRDLE, AUTOSOMAL RECESSIVE 5; MUSCULAR DYSTROPHY, DUCHENNE-LIKE. Identifiers: Orphanet 353, MedGen C0410173, MONDO:0009677, OMIM 253700. Disease mechanism: Affects gamma-sarcoglycan and also disrupts the integrity of the entire sarcoglycan complex..

Allele frequency attached by ClinVar (database versions not stated): gnomAD exomes below 0.00001; TOPMed below 0.00001.
gnomAD v4.1: 1 of 1,611,608 alleles (0.000062%); highest among the groups gnomAD compares: Non-Finnish European, 0.000085%; no homozygotes.

Submissions (3):

Labcorp Genetics (formerly Invitae), Labcorp
Classification: Likely pathogenic for Autosomal recessive limb-girdle muscular dystrophy type 2C. Last evaluated: 2024-11-04. Review status: criteria provided, single submitter. Criteria: Invitae Variant Classification Sherloc (09022015). Collection method: clinical testing. Allele origin: germline.
Comment: This sequence change replaces leucine, which is neutral and non-polar, with arginine, which is basic and polar, at codon 192 of the SGCG protein (p.Leu192Arg). This variant is not present in population databases (gnomAD no frequency). This missense change has been observed in individual(s) with limb-girdle muscular dystrophy (internal data). In at least one individual the data is consistent with being in trans (on the opposite chromosome) from a pathogenic variant. ClinVar contains an entry for this variant (Variation ID: 499009). Invitae Evidence Modeling of protein sequence and biophysical properties (such as structural, functional, and spatial information, amino acid conservation, physicochemical variation, residue mobility, and thermodynamic stability) indicates that this missense variant is expected to disrupt SGCG protein function with a positive predictive value of 80%. In summary, the currently available evidence indicates that the variant is pathogenic, but additional data are needed to prove that conclusively. Therefore, this variant has been classified as Likely Pathogenic.

Revvity Omics, Revvity
Classification: Likely pathogenic for Autosomal recessive limb-girdle muscular dystrophy type 2C. Last evaluated: 2024-04-18. Review status: criteria provided, single submitter. Criteria: ACMG Guidelines, 2015. Collection method: clinical testing. Allele origin: germline.

Eurofins Ntd Llc (ga)
Classification: Uncertain significance. Last evaluated: 2016-12-21. Review status: criteria provided, single submitter. Criteria: EGL Classification Definitions 2015. Collection method: clinical testing. Allele origin: germline. Observed: 1 variant allele, 1 heterozygote.

NM_000231.3(SGCG):c.575T>G (p.Leu192Arg)

Gene: SGCG (sarcoglycan gamma; plus strand). Cytogenetic location: 13q12.12.
Variant type: single nucleotide variant.
Coding change: c.575T>G on transcript NM_000231.3 (MANE Select); coding-DNA position 575, T replaced by G.
Protein change: p.Leu192Arg; replaces leucine 192 with arginine.
Molecular consequence: missense variant.
Genome position (GRCh38, 1-based): chr13:23,295,484, T>G. VCF-style: chr13-23295484-T-G. GRCh37 (hg19) VCF-style: chr13-23869623-T-G.
Other names: c.629T>G, p.Leu210Arg (NM_001378244.1); c.575T>G, p.Leu192Arg (NM_001378245.1, NM_001378246.1); c.575T>G (NM_000231.2); short protein forms L192R, L210R.
Identifiers: ClinVar variation 499009 (VCV000499009.12), dbSNP rs1555245351, ClinGen allele CA387504403.